The following is an entry in ClinVar:

NM_000458.4(HNF1B):c.981C>G (p.Asn327Lys)

Gene: HNF1B (HNF1 homeobox B; minus strand). Cytogenetic location: 17q12.
Variant type: single nucleotide variant.
Coding change: c.981C>G on transcript NM_000458.4 (MANE Select); coding-DNA position 981, C replaced by G.
Protein change: p.Asn327Lys; replaces asparagine 327 with lysine.
Molecular consequence: missense variant.
Genome position (GRCh38, 1-based): chr17:37,731,659, G>C on the plus strand (C>G on the coding strand, the complement: HNF1B is on the minus strand). VCF-style: chr17-37731659-G-C. GRCh37 (hg19) VCF-style: chr17-36091650-G-C.
Other names: c.903C>G, p.Asn301Lys (NM_001165923.4, NM_001304286.2); c.981C>G, p.Asn327Lys (NM_001411100.1); short protein forms N327K, N301K.
Identifiers: ClinVar variation 4977783 (VCV004977783.1).

ClinVar aggregate classification (germline): Uncertain significance (1 of 4 stars; one submission).

Conditions:
HNF1B-related disorder. Also called: HNF1B-related disorders; HNF1B-related condition.

gnomAD v4.1: 79 of 1,614,036 alleles (0.0049%); highest among the groups gnomAD compares: Non-Finnish European, 0.0064%; no homozygotes.

Submission:

PreventionGenetics, part of Exact Sciences
Classification: Uncertain significance for HNF1B-related condition. Last evaluated: 2025-02-04. Review status: criteria provided, single submitter. Criteria: ACMG Guidelines, 2015. Collection method: clinical testing. Allele origin: germline.
Comment: The HNF1B c.981C>G variant is predicted to result in the amino acid substitution p.Asn327Lys. This variant has been previously reported in a study of Norwegian Childhood Diabetes Registry, but its clinical significance is unknown (Johansson et al. 2017. PubMed ID: 27913849). This variant is reported in 0.0018% of alleles in individuals of European (Non-Finnish) descent in gnomAD. At this time, the clinical significance of this variant is currently uncertain due to insufficient evidence.